The following is an entry in ClinVar:

ClinVar aggregate classification (germline): Conflicting classifications of pathogenicity. Review status: criteria provided, conflicting classifications (1 of 4 stars). 2 submissions from 2 submitters: Pathogenic (1); Uncertain significance (1). Last evaluated 2024-10-14.

Conditions:
GM1 gangliosidosis. Identifiers: Orphanet 354, MedGen C0085131, MONDO:0018149.
Mucopolysaccharidosis, MPS-IV-B (MPS4B). Also called: Mucopolysaccharidosis Type IVB (Morquio B Disease); Mucopolysaccharidosis Type IVB; Mucopolysaccharidosis type IV B; Mucopolysaccharidosis type IVB (Morquio); MPS IVB; Mucopolysaccharidosis type 4B. Identifiers: Orphanet 309310, Orphanet 582, MedGen C0086652, MONDO:0009660, OMIM 253010.

Allele frequency attached by ClinVar (database versions not stated): gnomAD exomes below 0.00001; ExAC 0.00001.
gnomAD v4.1: 2 of 1,614,156 alleles (0.00012%); highest among the groups gnomAD compares: African/African-American, 0.0013%; no homozygotes.

Submissions (2):

Labcorp Genetics (formerly Invitae), Labcorp
Classification: Pathogenic for Mucopolysaccharidosis, MPS-IV-B; GM1 gangliosidosis. Last evaluated: 2024-10-14. Review status: criteria provided, single submitter. Criteria: Invitae Variant Classification Sherloc (09022015). Collection method: clinical testing. Allele origin: germline.
Comment: This sequence change replaces asparagine, which is neutral and polar, with serine, which is neutral and polar, at codon 313 of the GLB1 protein (p.Asn313Ser). This variant is present in population databases (rs781080459, gnomAD 0.0009%). This missense change has been observed in individual(s) with biochemical features of GM1 gangliosidosis (internal data). ClinVar contains an entry for this variant (Variation ID: 2151550). Invitae Evidence Modeling of protein sequence and biophysical properties (such as structural, functional, and spatial information, amino acid conservation, physicochemical variation, residue mobility, and thermodynamic stability) indicates that this missense variant is expected to disrupt GLB1 protein function with a positive predictive value of 95%. This variant disrupts the p.Asn313 amino acid residue in GLB1. Other variant(s) that disrupt this residue have been determined to be pathogenic (internal data). This suggests that this residue is clinically significant, and that variants that disrupt this residue are likely to be disease-causing. For these reasons, this variant has been classified as Pathogenic.

Blueprint Genetics
Classification: Uncertain significance. Last evaluated: 2022-06-28. Review status: criteria provided, single submitter. Criteria: ACMG Guidelines, 2015. Collection method: clinical testing. Allele origin: germline.

NM_000404.4(GLB1):c.938A>G (p.Asn313Ser)

Gene: GLB1 (galactosidase beta 1; minus strand). Cytogenetic location: 3p22.3.
Variant type: single nucleotide variant.
Coding change: c.938A>G on transcript NM_000404.4 (MANE Select); coding-DNA position 938, A replaced by G.
Protein change: p.Asn313Ser; replaces asparagine 313 with serine.
Molecular consequence: missense variant.
Genome position (GRCh38, 1-based): chr3:33,051,775, T>C on the plus strand (A>G on the coding strand, the complement: GLB1 is on the minus strand). VCF-style: chr3-33051775-T-C. GRCh37 (hg19) VCF-style: chr3-33093267-T-C.
Other names: c.848A>G, p.Asn283Ser (NM_001079811.3); c.545A>G, p.Asn182Ser (NM_001135602.3); c.1082A>G, p.Asn361Ser (NM_001317040.2); c.938A>G, p.Asn313Ser (NM_001393580.1); short protein forms N283S, N361S, N182S, N313S.
Identifiers: ClinVar variation 2151550 (VCV002151550.5), dbSNP rs781080459, ClinGen allele CA2299554.
Genomic context (GRCh38, chr3:33,051,775, plus strand): 5'-AACATTCTAGCATAAGTTTCTACAGATATTAAAGTGCTCTTACCATTCCAATAGGCAAAA[T>C]TGGTCCCACCTATAAACATGTACCTACAAGGAAACAAAAGAACACGGTACTTCACTGTGA-3'
Protein context (NP_000395.3, residues 303-323): VNLYMFIGGT[Asn313Ser]FAYWNGANSP